The following is an entry in ClinVar:

NM_004370.6(COL12A1):c.8571del (p.Pro2858fs)

Gene: COL12A1 (collagen type XII alpha 1 chain; minus strand). Cytogenetic location: 6q13.
Variant type: Deletion.
Coding change: c.8571del on transcript NM_004370.6 (MANE Select); coding-DNA position 8571, one base deleted (G; older notation c.8571delG).
Protein change: p.Pro2858fs; shifts the reading frame from proline 2858.
Molecular consequence: frameshift variant.
Genome position (GRCh38, 1-based): chr6:75,097,259, C deleted on the plus strand (G on the coding strand, the reverse complement: COL12A1 is on the minus strand); the first of 3 consecutive C bases (chr6:75,097,259-75,097,261); deleting any one gives the same sequence. VCF-style (leftmost placement, unchanged base first): chr6-75097258-GC-G. GRCh37 (hg19) VCF-style: chr6-75806974-GC-G.
Other names: c.5079del, p.Pro1694fs (NM_080645.3); short protein forms P1694fs, P2858fs.
Identifiers: ClinVar variation 1069771 (VCV001069771.9), dbSNP rs2149337320, ClinGen allele CA2499218529.

ClinVar aggregate classification (germline): Pathogenic (1 of 4 stars; one submission).

Conditions:
Ullrich congenital muscular dystrophy 2 (UCMD2). Identifiers: Orphanet 75840, MedGen C4225314, MONDO:0014654, OMIM 616470.
Bethlem myopathy 2 (BTHLM2). Identifiers: Orphanet 536516, Orphanet 610, MedGen C4225313, MONDO:0034022, OMIM 616471.

Submission:

Labcorp Genetics (formerly Invitae), Labcorp
Classification: Pathogenic for Bethlem myopathy 2; Ullrich congenital muscular dystrophy 2. Last evaluated: 2020-04-06. Review status: criteria provided, single submitter. Criteria: Invitae Variant Classification Sherloc (09022015). Collection method: clinical testing. Allele origin: germline.
Comment: This sequence change creates a premature translational stop signal (p.Pro2858Argfs*31) in the COL12A1 gene. It is expected to result in an absent or disrupted protein product. This variant is not present in population databases (ExAC no frequency). This variant has not been reported in the literature in individuals with COL12A1-related conditions. Loss-of-function variants in COL12A1 are known to be pathogenic (PMID: 24334604, 28973083). For these reasons, this variant has been classified as Pathogenic.

Literature cited by the submitters: PubMed 24334604; PubMed 28973083.